The following is an entry in ClinVar:

NM_001162501.2(TNRC6B):c.1059G>A (p.Ala353=)

Gene: TNRC6B (trinucleotide repeat containing adaptor 6B; plus strand). Cytogenetic location: 22q13.1.
Variant type: single nucleotide variant.
Coding change: c.1059G>A on transcript NM_001162501.2 (MANE Select); coding-DNA position 1059, G replaced by A.
Protein change: p.Ala353=; no amino-acid change (alanine 353 retained).
Molecular consequence: synonymous variant. On other transcripts: intron variant (1).
Genome position (GRCh38, 1-based): chr22:40,265,289, G>A. VCF-style: chr22-40265289-G-A. GRCh37 (hg19) VCF-style: chr22-40661293-G-A.
Other names: c.1059G>A, p.Ala353= (NM_015088.3); c.565+3116G>A (NM_001024843.2).
Identifiers: ClinVar variation 4681676 (VCV004681676.5).
Genomic context (GRCh38, chr22:40,265,289, plus strand): 5'-TGCACAGGTTAGCACAGTAGGTCAGACATCCAGGGAACAGCAGTCAAAGATGGAAAATGC[G>A]GGTGTTAATTTTGTTGTCTCTGGCAGAGAACAGGCTCAAATTCATAACACTGATGGACCA-3'
Protein context (NP_001155973.1, residues 343-363): SREQQSKMEN[Ala353=]GVNFVVSGRE

ClinVar aggregate classification (germline): Likely benign (1 of 4 stars; one submission).

gnomAD v4.1: 8 of 1,613,866 alleles (0.0005%); highest among the groups gnomAD compares: East Asian, 0.0022%; no homozygotes.

Submission:

CeGaT Center for Human Genetics Tuebingen
Classification: Likely benign. Last evaluated: 2025-12-01. Review status: criteria provided, single submitter. Criteria: CeGaT Center For Human Genetics Tuebingen Variant Classification Criteria Version 2. Collection method: clinical testing. Allele origin: germline. Affected: yes. Observed: 1 variant allele.
Comment: TNRC6B: BP4